The following is an entry in ClinVar:

NM_152564.5(VPS13B):c.3751A>C (p.Thr1251Pro)

Gene: VPS13B (vacuolar protein sorting 13 homolog B; plus strand). Cytogenetic location: 8q22.2.
Variant type: single nucleotide variant.
Coding change: c.3751A>C on transcript NM_152564.5 (MANE Select); coding-DNA position 3751, A replaced by C.
Protein change: p.Thr1251Pro; replaces threonine 1251 with proline.
Molecular consequence: missense variant.
Genome position (GRCh38, 1-based): chr8:99,481,683, A>C. VCF-style: chr8-99481683-A-C. GRCh37 (hg19) VCF-style: chr8-100493911-A-C.
Other names: c.3751A>C, p.Thr1251Pro (NM_017890.5); short protein forms T1251P.
Identifiers: ClinVar variation 1385559 (VCV001385559.6), dbSNP rs184693266, ClinGen allele CA371866822.

ClinVar aggregate classification (germline): Uncertain significance (1 of 4 stars; one submission).

Conditions:
Cohen syndrome (COH1). Also called: Cutis verticis gyrata, retinitis pigmentosa, and sensorineural deafness; PEPPER SYNDROME. Identifiers: Orphanet 193, MedGen C0265223, MONDO:0008999, OMIM 216550.

gnomAD v4.1: 2 of 1,613,920 alleles (0.00012%); highest among the groups gnomAD compares: East Asian, 0.0022%; no homozygotes.

Submission:

Labcorp Genetics (formerly Invitae), Labcorp
Classification: Uncertain significance for Cohen syndrome. Last evaluated: 2021-03-20. Review status: criteria provided, single submitter. Criteria: Invitae Variant Classification Sherloc (09022015). Collection method: clinical testing. Allele origin: germline.
Comment: Algorithms developed to predict the effect of missense changes on protein structure and function are either unavailable or do not agree on the potential impact of this missense change (SIFT: "Not Available"; PolyPhen-2: "Benign"; Align-GVGD: "Not Available"). This sequence change replaces threonine with proline at codon 1251 of the VPS13B protein (p.Thr1251Pro). The threonine residue is weakly conserved and there is a small physicochemical difference between threonine and proline. This variant is not present in population databases (ExAC no frequency). This variant has not been reported in the literature in individuals with VPS13B-related conditions. In summary, the available evidence is currently insufficient to determine the role of this variant in disease. Therefore, it has been classified as a Variant of Uncertain Significance.